The following is an entry in ClinVar:

NM_018139.3(DNAAF2):c.2303A>G (p.Asp768Gly)

Gene: DNAAF2 (dynein axonemal assembly factor 2; minus strand). Cytogenetic location: 14q21.3.
Variant type: single nucleotide variant.
Coding change: c.2303A>G on transcript NM_018139.3 (MANE Select); coding-DNA position 2303, A replaced by G.
Protein change: p.Asp768Gly; replaces aspartic acid 768 with glycine.
Molecular consequence: missense variant.
Genome position (GRCh38, 1-based): chr14:49,625,753, T>C on the plus strand (A>G on the coding strand, the complement: DNAAF2 is on the minus strand). VCF-style: chr14-49625753-T-C. GRCh37 (hg19) VCF-style: chr14-50092471-T-C.
Other names: c.2159A>G, p.Asp720Gly (NM_001083908.2); c.92A>G, p.Asp31Gly (NM_001378453.1); short protein forms D768G, D720G, D31G.
Identifiers: ClinVar variation 163091 (VCV000163091.29), dbSNP rs9989177, ClinGen allele CA175694.

ClinVar aggregate classification (germline): Benign/Likely benign. Review status: criteria provided, multiple submitters, no conflicts (2 of 4 stars). 11 submissions from 11 submitters: Benign (9); Likely benign (1). 1 of the submissions does not count toward it. Last evaluated 2026-02-04.

Conditions:
Primary ciliary dyskinesia. Also called: Ciliary dyskinesia. Identifiers: Orphanet 244, MedGen C0008780, MONDO:0016575, HP:0012265.
Primary ciliary dyskinesia 10. Also called: CILIARY DYSKINESIA, PRIMARY, 10, WITH OR WITHOUT SITUS INVERSUS. Identifiers: Orphanet 244, MedGen C2675867, MONDO:0012918, OMIM 612518.

Allele frequency attached by ClinVar (database versions not stated): 1000 Genomes Project 30x 0.30762; 1000 Genomes Project 0.30871; TOPMed 0.37721; gnomAD 0.40851 and 0.40859; ESP Exome Variant Server 0.42073; gnomAD exomes 0.44505; ExAC 0.45100.
gnomAD v4.1: 799,371 of 1,611,812 alleles (50%); highest among the groups gnomAD compares: Non-Finnish European, 54%; 208,461 homozygotes.

Submissions (11):

Labcorp Genetics (formerly Invitae), Labcorp
Classification: Benign for Primary ciliary dyskinesia. Last evaluated: 2026-02-04. Review status: criteria provided, single submitter. Criteria: Invitae Variant Classification Sherloc (09022015). Collection method: clinical testing. Allele origin: germline.

Blueprint Genetics
Classification: Likely benign. Last evaluated: 2024-11-27. Review status: criteria provided, single submitter. Criteria: ACMG Guidelines, 2015. Collection method: clinical testing. Allele origin: germline.

Mayo Clinic Laboratories, Mayo Clinic
Classification: Benign. Last evaluated: 2022-04-26. Review status: criteria provided, single submitter. Criteria: ACMG Guidelines, 2015. Collection method: clinical testing. Allele origin: germline. Observed: 142 variant alleles.

GeneDx
Classification: Benign. Last evaluated: 2018-11-10. Review status: criteria provided, single submitter. Criteria: GeneDx Variant Classification Process June 2021. Collection method: clinical testing. Allele origin: germline. Affected: yes.

Illumina Laboratory Services, Illumina
Classification: Benign for Primary ciliary dyskinesia 10. Last evaluated: 2018-01-12. Review status: criteria provided, single submitter. Criteria: ICSL Variant Classification Criteria 13 December 2019. Collection method: clinical testing. Allele origin: germline.
Comment: This variant was observed in the ICSL laboratory as part of a predisposition screen in an ostensibly healthy population. It had not been previously curated by ICSL or reported in the Human Gene Mutation Database (HGMD: prior to June 1st, 2018), and was therefore a candidate for classification through an automated scoring system. Utilizing variant allele frequency, disease prevalence and penetrance estimates, and inheritance mode, an automated score was calculated to assess if this variant is too frequent to cause the disease. Based on the score and internal cut-off values, a variant classified as benign is not then subjected to further curation. The score for this variant resulted in a classification of benign for this disease.

Clinical Genetics DNA and cytogenetics Diagnostics Lab, Erasmus MC, Erasmus Medical Center
Classification: Benign for Primary ciliary dyskinesia 10. Last evaluated: 2015-09-21. Review status: criteria provided, single submitter. Criteria: ACGS Guidelines, 2013. Collection method: clinical testing. Allele origin: germline. Affected: yes. Study: VKGL Data-share Consensus.

Ambry Genetics
Classification: Benign for Primary ciliary dyskinesia. Last evaluated: 2014-11-26. Review status: criteria provided, single submitter. Criteria: Ambry Variant Classification Scheme 2023. Collection method: clinical testing. Allele origin: germline.

Laboratory for Molecular Medicine, Mass General Brigham Personalized Medicine
Classification: Benign. Last evaluated: 2013-02-21. Review status: criteria provided, single submitter. Criteria: LMM Criteria. Collection method: clinical testing. Allele origin: germline. Observed: 73 variant alleles.
Comment: Asp768Gly in exon 3 of DNAAF2: This variant is not expected to have clinical sig nificance because it has been identified in 46.3% (3980/8600) of European Americ an chromosomes from a broad population by the NHLBI Exome Sequencing Project (dbSNP rs9989177).

Breakthrough Genomics
Classification: Benign. Review status: criteria provided, single submitter. Criteria: ACMG Guidelines, 2015. Collection method: not provided. Allele origin: germline. Inheritance: Autosomal recessive inheritance. Affected: yes.

PreventionGenetics, part of Exact Sciences
Classification: Benign. Review status: criteria provided, single submitter. Criteria: ACMG Guidelines, 2015. Collection method: clinical testing. Allele origin: germline.

Diagnostic Laboratory, Department of Genetics, University Medical Center Groningen
Classification: Benign for Primary ciliary dyskinesia 10. Review status: no assertion criteria provided. Collection method: clinical testing. Allele origin: germline. Affected: yes. Study: VKGL Data-share Consensus. Not counted in ClinVar's aggregate classification.